The following is an entry in ClinVar:

NM_001382567.1(STIM1):c.1252G>A (p.Glu418Lys)

Gene: STIM1 (stromal interaction molecule 1; plus strand). Cytogenetic location: 11p15.4.
Variant type: single nucleotide variant.
Coding change: c.1252G>A on transcript NM_001382567.1 (MANE Select); coding-DNA position 1252, G replaced by A.
Protein change: p.Glu418Lys; replaces glutamic acid 418 with lysine.
Molecular consequence: missense variant. On other transcripts: non-coding transcript variant (2).
Genome position (GRCh38, 1-based): chr11:4,083,276, G>A. VCF-style: chr11-4083276-G-A. GRCh37 (hg19) VCF-style: chr11-4104506-G-A.
Other names: c.1252G>A, p.Glu418Lys (NM_001277961.3, NM_001277962.2, NM_003156.4); c.1030G>A, p.Glu344Lys (NM_001382566.1, NM_001382573.1, NM_001382575.1 and 4 more transcripts); c.1273G>A, p.Glu425Lys (NM_001382568.1); c.1117G>A, p.Glu373Lys (NM_001382569.1); c.1024G>A, p.Glu342Lys (NM_001382570.1); c.772G>A, p.Glu258Lys (NM_001382571.1); c.763G>A, p.Glu255Lys (NM_001382580.1, NM_001382581.1); short protein forms E418K, E255K, E258K, E342K, E344K, E373K, E425K.
Identifiers: ClinVar variation 837525 (VCV000837525.11), dbSNP rs774565443, ClinGen allele CA5830443.
Genomic context (GRCh38, chr11:4,083,276, plus strand): 5'-GGCTCACACCAAGTCCATGCCTGCAGTTCTCTTTCCTCTGTCTTCAGGCAAGCACTGAGC[G>A]AGGTGACAGCAGCATTGCGGGAGCGCCTGCACCGCTGGCAACAGATCGAGATCCTCTGTG-3'
Protein context (NP_001369496.1, residues 408-428): KILTAKQALS[Glu418Lys]VTAALRERLH

ClinVar aggregate classification (germline): Uncertain significance. Review status: criteria provided, multiple submitters, no conflicts (2 of 4 stars). 2 submissions from 2 submitters: Uncertain significance (2). Last evaluated 2025-11-24.

Conditions:
Stormorken syndrome (STRMK). Also called: THROMBOCYTOPATHY, ASPLENIA, AND MIOSIS. Identifiers: Orphanet 3204, MedGen C1861451, MONDO:0008497, OMIM 185070.
Combined immunodeficiency due to STIM1 deficiency. Also called: IMMUNODEFICIENCY 10; STIM1 DEFICIENCY. Identifiers: Orphanet 169090, Orphanet 317430, MedGen C2748557, MONDO:0013008, OMIM 612783.
Myopathy with tubular aggregates (TAM). Also called: Tubular Aggregate Myopathy. Identifiers: Orphanet 2593, MedGen C0410207, MONDO:0008051.

Allele frequency attached by ClinVar (database versions not stated): gnomAD exomes 0.00001 and below 0.00001; ExAC 0.00001.

Submissions (2):

Victorian Clinical Genetics Services, Murdoch Childrens Research Institute
Classification: Uncertain significance for Myopathy with tubular aggregates. Last evaluated: 2025-11-24. Review status: criteria provided, single submitter. Criteria: ACMG Guidelines, 2015. Collection method: clinical testing. Allele origin: germline. Affected: yes.
Comment: This variant is classified as VUS-3C. Evidence in support of pathogenic classification: Variant is present in gnomAD <0.01 (v4: 7 heterozygote(s), 0 homozygote(s)). Additional information: Variant is predicted to result in a missense amino acid change from Glu to Lys; This variant is heterozygous; This gene is associated with both recessive and dominant disease; Previous evidence of pathogenicity for this variant is inconclusive. This variant has been classified as VUS by a clinical laboratory in ClinVar; No published evidence of segregation with disease has been identified for this variant; No published functional evidence has been identified for this variant; No comparable missense variants have previous evidence for pathogenicity; Variant is located in the annotated STIM1 Orai1-activating region (DECIPHER); Missense variant with inconclusive in silico prediction and/or uninformative conservation; Gain of function and loss of function are known mechanisms of disease in this gene. Gain of function missense variants are associated with tubular aggregate myopathy (MONDO:0008051), STIM1-related, whilst biallelic loss of function variants are associated with immunodeficiency 10 (MIM#612783); Inheritance information for this variant is not currently available in this individual.

Labcorp Genetics (formerly Invitae), Labcorp
Classification: Uncertain significance for Myopathy with tubular aggregates; Combined immunodeficiency due to STIM1 deficiency; Stormorken syndrome. Last evaluated: 2023-01-06. Review status: criteria provided, single submitter. Criteria: Invitae Variant Classification Sherloc (09022015). Collection method: clinical testing. Allele origin: germline.
Comment: In summary, the available evidence is currently insufficient to determine the role of this variant in disease. Therefore, it has been classified as a Variant of Uncertain Significance. Algorithms developed to predict the effect of missense changes on protein structure and function (SIFT, PolyPhen-2, Align-GVGD) all suggest that this variant is likely to be tolerated. ClinVar contains an entry for this variant (Variation ID: 837525). This variant has not been reported in the literature in individuals affected with STIM1-related conditions. This variant is present in population databases (rs774565443, gnomAD 0.003%). This sequence change replaces glutamic acid, which is acidic and polar, with lysine, which is basic and polar, at codon 418 of the STIM1 protein (p.Glu418Lys).